The following is an entry in ClinVar:

ClinVar aggregate classification (germline): Uncertain significance (1 of 4 stars; one submission).

Conditions:
Inborn genetic diseases. Identifiers: MedGen C0950123, MeSH D030342.

Allele frequency attached by ClinVar (database versions not stated): ExAC 0.00001.

Submission:

Ambry Genetics
Classification: Uncertain significance for Inborn genetic diseases. Last evaluated: 2021-12-08. Review status: criteria provided, single submitter. Criteria: Ambry Variant Classification Scheme 2023. Collection method: clinical testing. Allele origin: germline.
Comment: The p.H787L variant (also known as c.2360A>T), located in coding exon 11 of the ATR gene, results from an A to T substitution at nucleotide position 2360. The histidine at codon 787 is replaced by leucine, an amino acid with similar properties. This amino acid position is conserved. In addition, this alteration is predicted to be tolerated by in silico analysis. Since supporting evidence is limited at this time, the clinical significance of this alteration remains unclear.

NM_001184.4(ATR):c.2360A>T (p.His787Leu)

Gene: ATR (ATR checkpoint kinase; minus strand). Cytogenetic location: 3q23.
Variant type: single nucleotide variant.
Coding change: c.2360A>T on transcript NM_001184.4 (MANE Select); coding-DNA position 2360, A replaced by T.
Protein change: p.His787Leu; replaces histidine 787 with leucine.
Molecular consequence: missense variant.
Genome position (GRCh38, 1-based): chr3:142,553,997, T>A on the plus strand (A>T on the coding strand, the complement: ATR is on the minus strand). VCF-style: chr3-142553997-T-A. GRCh37 (hg19) VCF-style: chr3-142272839-T-A.
Other names: c.2168A>T, p.His723Leu (NM_001354579.2); short protein forms H723L, H787L.
Identifiers: ClinVar variation 1790153 (VCV001790153.2), dbSNP rs779898609, ClinGen allele CA2650373.